The following is an entry in ClinVar:

ClinVar aggregate classification (germline): Pathogenic (1 of 4 stars; one submission).

Submission:

Labcorp Genetics (formerly Invitae), Labcorp
Classification: Pathogenic. Last evaluated: 2022-02-19. Review status: criteria provided, single submitter. Criteria: Invitae Variant Classification Sherloc (09022015). Collection method: clinical testing. Allele origin: germline.
Comment: This sequence change creates a premature translational stop signal (p.Cys990*) in the KMT2A gene. It is expected to result in an absent or disrupted protein product. Loss-of-function variants in KMT2A are known to be pathogenic (PMID: 22795537, 25574841, 25810209, 28120103, 29574747, 31157197, 31337854). This variant is not present in population databases (gnomAD no frequency). This variant has not been reported in the literature in individuals affected with KMT2A-related conditions. For these reasons, this variant has been classified as Pathogenic.

Literature cited by the submitters: PubMed 22795537; PubMed 25574841; PubMed 25810209; PubMed 28120103; PubMed 29574747; PubMed 31157197; PubMed 31337854.

NM_001197104.2(KMT2A):c.2968_2969insAGAG (p.Cys990Ter)

Gene: KMT2A (lysine methyltransferase 2A; plus strand). Cytogenetic location: 11q23.3.
Variant type: Insertion.
Coding change: c.2968_2969insAGAG on transcript NM_001197104.2 (MANE Select); coding-DNA positions 2968 to 2969, AGAG inserted.
Protein change: p.Cys990Ter; replaces cysteine 990 with a stop codon.
Molecular consequence: nonsense. On other transcripts: frameshift variant (1).
Genome position: GRCh38 VCF-style: chr11-118474127-T-TAGAG. GRCh37 (hg19) VCF-style: chr11-118344842-T-TAGAG.
Other names: c.3067_3068insAGAG, p.Cys1023Terfs (NM_001412597.1); c.2968_2969insAGAG, p.Cys990Ter (NM_005933.4); short protein forms C990*.
Identifiers: ClinVar variation 2099518 (VCV002099518.4), dbSNP rs2496817348, ClinGen allele CA2580083576.